The following is an entry in ClinVar:

ClinVar aggregate classification (germline): Uncertain significance (1 of 4 stars; one submission).

Conditions:
Walker-Warburg congenital muscular dystrophy. Also called: Muscular dystrophy-dystroglycanopathy, type A; Walker-Warburg syndrome. Identifiers: Orphanet 899, MedGen C0265221, MONDO:0000171.
Autosomal recessive limb-girdle muscular dystrophy type 2K. Also called: MUSCULAR DYSTROPHY-DYSTROGLYCANOPATHY (LIMB-GIRDLE), TYPE C, 1; MUSCULAR DYSTROPHY, LIMB-GIRDLE, TYPE 2K. Identifiers: Orphanet 86812, MedGen C1836373, MONDO:0012248, OMIM 609308.
Muscular dystrophy-dystroglycanopathy (congenital with impaired intellectual development), type B, 1. Also called: Muscular dystrophy-dystroglycanopathy (congenital with intellectual disability), type B1; MUSCULAR DYSTROPHY, CONGENITAL, POMT1-RELATED. Identifiers: MedGen C5436962, MONDO:0013159, OMIM 613155.

Allele frequency attached by ClinVar (database versions not stated): gnomAD exomes below 0.00001; gnomAD 0.00001.
gnomAD v4.1: 2 of 1,614,148 alleles (0.00012%); highest among the groups gnomAD compares: South Asian, 0.0022%; no homozygotes.

Submission:

Labcorp Genetics (formerly Invitae), Labcorp
Classification: Uncertain significance for Muscular dystrophy-dystroglycanopathy (congenital with impaired intellectual development), type B, 1; Walker-Warburg congenital muscular dystrophy; Autosomal recessive limb-girdle muscular dystrophy type 2K. Last evaluated: 2021-03-26. Review status: criteria provided, single submitter. Criteria: Invitae Variant Classification Sherloc (09022015). Collection method: clinical testing. Allele origin: germline.
Comment: This sequence change replaces leucine with arginine at codon 270 of the POMT1 protein (p.Leu270Arg). The leucine residue is highly conserved and there is a moderate physicochemical difference between leucine and arginine. In summary, the available evidence is currently insufficient to determine the role of this variant in disease. Therefore, it has been classified as a Variant of Uncertain Significance. Algorithms developed to predict the effect of missense changes on protein structure and function (SIFT, PolyPhen-2, Align-GVGD) all suggest that this variant is likely to be disruptive, but these predictions have not been confirmed by published functional studies and their clinical significance is uncertain. This variant has not been reported in the literature in individuals with POMT1-related conditions. This variant is not present in population databases (ExAC no frequency).

NM_001077365.2(POMT1):c.743T>G (p.Leu248Arg)

Gene: POMT1 (protein O-mannosyltransferase 1; plus strand). Cytogenetic location: 9q34.13.
Variant type: single nucleotide variant.
Coding change: c.743T>G on transcript NM_001077365.2 (MANE Select); coding-DNA position 743, T replaced by G.
Protein change: p.Leu248Arg; replaces leucine 248 with arginine.
Molecular consequence: missense variant. On other transcripts: synonymous variant (1), non-coding transcript variant (10).
Genome position (GRCh38, 1-based): chr9:131,510,303, T>G. VCF-style: chr9-131510303-T-G. GRCh37 (hg19) VCF-style: chr9-134385690-T-G.
Other names: c.581T>G, p.Leu194Arg (NM_001077366.2, NM_001353194.2, NM_001374693.1); c.743T>G, p.Leu248Arg (NM_001136113.2, NM_001374690.1); c.392T>G, p.Leu131Arg (NM_001136114.2, NM_001353195.2, NM_001374691.1 and 1 more transcripts); c.809T>G, p.Leu270Arg (NM_001353193.2, NM_007171.4); c.653T>G, p.Leu218Arg (NM_001353196.2); c.647T>G, p.Leu216Arg (NM_001353197.2, NM_001353198.2); c.458T>G, p.Leu153Arg (NM_001353199.2); c.287T>G, p.Leu96Arg (NM_001353200.2); and 2 more; short protein forms L216R, L96R, L194R, L118R, L131R, L248R, L153R, L218R.
Identifiers: ClinVar variation 1476940 (VCV001476940.8), dbSNP rs1946833127, ClinGen allele CA375307704.